The following is an entry in ClinVar:

ClinVar aggregate classification (germline): Uncertain significance (1 of 4 stars; one submission).

gnomAD v4.1: 360 of 1,613,778 alleles (0.022%); highest among the groups gnomAD compares: Non-Finnish European, 0.03%; no homozygotes.

Submission:

GeneDx
Classification: Uncertain significance. Last evaluated: 2024-08-27. Review status: criteria provided, single submitter. Criteria: GeneDx Variant Classification Process June 2021. Collection method: clinical testing. Allele origin: germline. Affected: yes.
Comment: In silico analysis indicates that this missense variant does not alter protein structure/function; Has not been previously published as pathogenic or benign to our knowledge; This variant is associated with the following publications: (PMID: 31480474)

NM_001042603.3(KDM5A):c.4223G>A (p.Ser1408Asn)

Gene: KDM5A (lysine demethylase 5A; minus strand). Cytogenetic location: 12p13.33.
Variant type: single nucleotide variant.
Coding change: c.4223G>A on transcript NM_001042603.3 (MANE Select); coding-DNA position 4223, G replaced by A.
Protein change: p.Ser1408Asn; replaces serine 1408 with asparagine.
Molecular consequence: missense variant.
Genome position (GRCh38, 1-based): chr12:297,052, C>T on the plus strand (G>A on the coding strand, the complement: KDM5A is on the minus strand). VCF-style: chr12-297052-C-T. GRCh37 (hg19) VCF-style: chr12-406218-C-T.
Other names: short protein forms S1408N.
Identifiers: ClinVar variation 3766411 (VCV003766411.1).